The following is an entry in ClinVar:

ClinVar aggregate classification (germline): Uncertain significance (1 of 4 stars; one submission).

Conditions:
Inborn genetic diseases. Identifiers: MedGen C0950123, MeSH D030342.

Allele frequency attached by ClinVar (database versions not stated): TOPMed below 0.00001; gnomAD 0.00001.

Submission:

Ambry Genetics
Classification: Uncertain significance for Inborn genetic diseases. Last evaluated: 2022-04-01. Review status: criteria provided, single submitter. Criteria: Ambry Variant Classification Scheme 2023. Collection method: clinical testing. Allele origin: germline.
Comment: The p.P420S variant (also known as c.1258C>T), located in coding exon 13 of the ERCC2 gene, results from a C to T substitution at nucleotide position 1258. The proline at codon 420 is replaced by serine, an amino acid with similar properties. This amino acid position is conserved. In addition, this alteration is predicted to be deleterious by in silico analysis. Since supporting evidence is limited at this time, the clinical significance of this alteration remains unclear.

NM_000400.4(ERCC2):c.1258C>T (p.Pro420Ser)

Gene: ERCC2 (ERCC excision repair 2, TFIIH core complex helicase subunit; minus strand). Cytogenetic location: 19q13.32.
Variant type: single nucleotide variant.
Coding change: c.1258C>T on transcript NM_000400.4 (MANE Select); coding-DNA position 1258, C replaced by T.
Protein change: p.Pro420Ser; replaces proline 420 with serine.
Molecular consequence: missense variant.
Genome position (GRCh38, 1-based): chr19:45,357,679, G>A on the plus strand (C>T on the coding strand, the complement: ERCC2 is on the minus strand). VCF-style: chr19-45357679-G-A. GRCh37 (hg19) VCF-style: chr19-45860937-G-A.
Other names: short protein forms P420S.
Identifiers: ClinVar variation 1762337 (VCV001762337.2), dbSNP rs1436984942, ClinGen allele CA406368182.
Genomic context (GRCh38, chr19:45,357,679, plus strand): 5'-CAGGGTCCCACCTGAAGTGCAGGATGGGGTTGGCAATGGTCGGGGTTCTGTCGTCAAAGG[G>A]CTCGATGATGATGGTGAAGCCTGCAGAGGGCAGGCAAGGAGGGGTGAGATTACCCCACTA-3'
Protein context (NP_000391.1, residues 410-430): YAKGFTIIIE[Pro420Ser]FDDRTPTIAN